The following is an entry in ClinVar:

ClinVar aggregate classification (germline): Uncertain significance (1 of 4 stars; one submission).

gnomAD v4.1: 1 of 1,613,698 alleles (0.000062%); highest among the groups gnomAD compares: Non-Finnish European, 0.000085%; no homozygotes.

Submission:

Labcorp Genetics (formerly Invitae), Labcorp
Classification: Uncertain significance. Last evaluated: 2025-11-18. Review status: criteria provided, single submitter. Criteria: Invitae Variant Classification Sherloc (09022015). Collection method: clinical testing. Allele origin: germline.
Comment: This sequence change creates a premature translational stop signal (p.Lys552*) in the MYLK3 gene. It is expected to result in an absent or disrupted protein product. However, the current clinical and genetic evidence is not sufficient to establish whether loss-of-function variants in MYLK3 cause disease. This variant is not present in population databases (gnomAD no frequency). This variant has not been reported in the literature in individuals affected with MYLK3-related conditions. Algorithms developed to predict the effect of sequence changes on RNA splicing suggest that this variant may disrupt the consensus splice site. In summary, the available evidence is currently insufficient to determine the role of this variant in disease. Therefore, it has been classified as a Variant of Uncertain Significance.

NM_182493.3(MYLK3):c.1654A>T (p.Lys552Ter)

Gene: MYLK3 (myosin light chain kinase 3; minus strand). Cytogenetic location: 16q11.2.
Variant type: single nucleotide variant.
Coding change: c.1654A>T on transcript NM_182493.3 (MANE Select); coding-DNA position 1654, A replaced by T.
Protein change: p.Lys552Ter; replaces lysine 552 with a stop codon.
Molecular consequence: nonsense.
Genome position (GRCh38, 1-based): chr16:46,729,602, T>A on the plus strand (A>T on the coding strand, the complement: MYLK3 is on the minus strand). VCF-style: chr16-46729602-T-A. GRCh37 (hg19) VCF-style: chr16-46763514-T-A.
Other names: c.631A>T, p.Lys211Ter (NM_001308301.1); short protein forms K211*, K552*.
Identifiers: ClinVar variation 4748318 (VCV004748318.1).